The following is an entry in ClinVar:

ClinVar aggregate classification (germline): Conflicting classifications of pathogenicity. Review status: criteria provided, conflicting classifications (1 of 4 stars). 2 submissions from 2 submitters: Uncertain significance (1); Likely benign (1). Last evaluated 2022-08-21.

Conditions:
Dyskeratosis congenita, autosomal dominant 2. Identifiers: MedGen C3151443, MONDO:0013521, OMIM 613989.
Idiopathic Pulmonary Fibrosis. Also called: Idiopathic fibrosing alveolitis, chronic form; idiopathic fibrosing alveolitis. Identifiers: Orphanet 2032, MedGen C1800706, MeSH D054990, MONDO:0800504.
Dyskeratosis congenita. Identifiers: Orphanet 1775, MedGen C0265965, MONDO:0015780.

Allele frequency attached by ClinVar (database versions not stated): ExAC 0.00001.
gnomAD v4.1: 1 of 1,612,844 alleles (0.000062%); highest among the groups gnomAD compares: South Asian, 0.0011%; no homozygotes.

Submissions (2):

Labcorp Genetics (formerly Invitae), Labcorp
Classification: Likely benign for Dyskeratosis congenita, autosomal dominant 2; Idiopathic Pulmonary Fibrosis. Last evaluated: 2022-08-21. Review status: criteria provided, single submitter. Criteria: Invitae Variant Classification Sherloc (09022015). Collection method: clinical testing. Allele origin: germline.

Ambry Genetics
Classification: Uncertain significance for Dyskeratosis congenita. Last evaluated: 2022-04-01. Review status: criteria provided, single submitter. Criteria: Ambry Variant Classification Scheme 2023. Collection method: clinical testing. Allele origin: germline.
Comment: The p.E782D variant (also known as c.2346G>T), located in coding exon 7 of the TERT gene, results from a G to T substitution at nucleotide position 2346. The glutamic acid at codon 782 is replaced by aspartic acid, an amino acid with highly similar properties. This amino acid position is conserved. In addition, this alteration is predicted to be tolerated by in silico analysis. Since supporting evidence is limited at this time, the clinical significance of this alteration remains unclear.

NM_198253.3(TERT):c.2346G>T (p.Glu782Asp)

Gene: TERT (telomerase reverse transcriptase; minus strand). Cytogenetic location: 5p15.33.
Variant type: single nucleotide variant.
Coding change: c.2346G>T on transcript NM_198253.3 (MANE Select); coding-DNA position 2346, G replaced by T.
Protein change: p.Glu782Asp; replaces glutamic acid 782 with aspartic acid.
Molecular consequence: missense variant.
Genome position (GRCh38, 1-based): chr5:1,272,221, C>A on the plus strand (G>T on the coding strand, the complement: TERT is on the minus strand). VCF-style: chr5-1272221-C-A. GRCh37 (hg19) VCF-style: chr5-1272336-C-A.
Other names: c.2346G>T, p.Glu782Asp (NM_001193376.3, NM_003219.1); short protein forms E782D.
Identifiers: ClinVar variation 1789927 (VCV001789927.7), dbSNP rs750815238, ClinGen allele CA3184562.